The following is an entry in ClinVar:

NM_000326.5(RLBP1):c.286_297del (p.Phe96_Phe99del)

Gene: RLBP1 (retinaldehyde binding protein 1; minus strand). Cytogenetic location: 15q26.1.
Variant type: Deletion.
Coding change: c.286_297del on transcript NM_000326.5 (MANE Select); coding-DNA positions 286 to 297, 12 bases deleted (TTCCTGCGCTTC).
Protein change: p.Phe96_Phe99del.
Molecular consequence: inframe deletion.
Genome position (GRCh38, 1-based): chr15:89,217,169-89,217,180, GAAGCGCAGGAA deleted on the plus strand (TTCCTGCGCTTC on the coding strand, the reverse complement: RLBP1 is on the minus strand); deleting any 12 consecutive bases within chr15:89,217,169-89,217,185 gives the same sequence; the c. name uses the placement nearest the transcript's 3' end. VCF-style (leftmost placement, unchanged base first): chr15-89217168-TGAAGCGCAGGAA-T. GRCh37 (hg19) VCF-style: chr15-89760399-TGAAGCGCAGGAA-T.
Other names: c.286_297delTTCCTGCGCTTC (NM_000326.5); c.286_297del12 (NM_000326.5); c.286_297del (NM_000326.4).
Identifiers: ClinVar variation 191289 (VCV000191289.35), dbSNP rs786205626, ClinGen allele CA210020.

ClinVar aggregate classification (germline): Pathogenic/Likely pathogenic. Review status: criteria provided, multiple submitters, no conflicts (2 of 4 stars). 11 submissions from 11 submitters: Pathogenic (4); Likely pathogenic (5). 2 of the submissions do not count toward it. Last evaluated 2025-12-16.

Conditions:
RLBP1-related disorder. Also called: RLBP1-related condition; RLBP1-related disorders. Identifiers: MedGen CN239413.
Retinal dystrophy. Also called: Inherited retinal dystrophy. Identifiers: Orphanet 71862, MedGen C0854723, MeSH D058499, MONDO:0019118, HP:0000556.
Retinitis pigmentosa (RP). Identifiers: Orphanet 791, MedGen C0035334, MeSH D012174, MONDO:0019200, OMIM 268000. Inheritance: Autosomal dominant, autosomal recessive and X linked inheritance.
Pigmentary retinal dystrophy. Also called: Fundus albipunctatus. Identifiers: Orphanet 227796, Orphanet 52427, MedGen C0311338, MONDO:0007639, OMIM 136880, HP:0030642.
Bothnia retinal dystrophy. Also called: VASTERBOTTEN DYSTROPHY. Identifiers: Orphanet 85128, MedGen C1843816, MONDO:0011838, OMIM 607475.
Autosomal recessive retinitis pigmentosa. Identifiers: MedGen C0339526.
Retinitis punctata albescens. Identifiers: Orphanet 52427, MedGen C1405854, MONDO:0018877.
Abnormality of the eye. Identifiers: MedGen C4316870, HP:0000478.

Submissions (11):

Research Institute for Ophthalmology and Vision Science, Shahid Beheshti University of Medical Sciences
Classification: Pathogenic for Pigmentary retinal dystrophy. Last evaluated: 2025-12-16. Review status: criteria provided, single submitter. Criteria: ACMG Guidelines, 2015. Collection method: research. Allele origin: inherited. Inheritance: Autosomal recessive inheritance. Affected: yes.
Comment: This variant has an extremely low frequency in gnomAD databases. It has been found in a homozygous state in patients and co-segregates with the disease in affected family members. Computational prediction tools identified it as deleterious. This variant leads to a change in protein length.

Women's Health and Genetics/Laboratory Corporation of America, LabCorp
Classification: Pathogenic for Retinitis pigmentosa. Last evaluated: 2024-12-31. Review status: criteria provided, single submitter. Criteria: LabCorp Variant Classification Summary - May 2015. Collection method: clinical testing. Allele origin: germline.
Comment: Variant summary: RLBP1 c.286_297del12 (p.Phe96_Phe99del) results in an in-frame deletion that is predicted to remove 4 amino acids from the encoded protein. The variant allele was found at a frequency of 4e-06 in 250780 control chromosomes. c.286_297del12 has been reported in the literature in the compound heterozygous or homozygous state in multiple individuals affected with retinal dystrophies (example, Lee_2014, Lima_2020, Patel_2016), including at least 1 family where this variant segregated with disease and was in trans with a pathogenic variant. These data indicate that the variant is very likely to be associated with disease. To our knowledge, no experimental evidence demonstrating an impact on protein function has been reported. The following publications have been ascertained in the context of this evaluation (PMID: 25326637, 32188692, 26355662). ClinVar contains an entry for this variant (Variation ID: 191289). Based on the evidence outlined above, the variant was classified as pathogenic.

Labcorp Genetics (formerly Invitae), Labcorp
Classification: Pathogenic. Last evaluated: 2024-12-16. Review status: criteria provided, single submitter. Criteria: Invitae Variant Classification Sherloc (09022015). Collection method: clinical testing. Allele origin: germline.
Comment: This variant, c.286_297del, results in the deletion of 4 amino acid(s) of the RLBP1 protein (p.Phe96_Phe99del), but otherwise preserves the integrity of the reading frame. This variant is present in population databases (rs786205626, gnomAD 0.0009%). This variant has been observed in individual(s) with clinical features of retinitis punctata albescens (PMID: 25326637, 26355662, 32188692). In at least one individual the data is consistent with being in trans (on the opposite chromosome) from a pathogenic variant. It has also been observed to segregate with disease in related individuals. ClinVar contains an entry for this variant (Variation ID: 191289). For these reasons, this variant has been classified as Pathogenic.

Blueprint Genetics
Classification: Pathogenic for RLBP1-related disorders. Last evaluated: 2024-10-30. Review status: criteria provided, single submitter. Criteria: ACMG Guidelines, 2015. Collection method: clinical testing. Allele origin: germline. Affected: yes. Observed: 5 variant alleles.

3billion
Classification: Likely pathogenic for Bothnia retinal dystrophy. Last evaluated: 2022-01-03. Review status: criteria provided, single submitter. Criteria: ACMG Guidelines, 2015. Collection method: clinical testing. Allele origin: germline. Affected: yes. Observed: 1 homozygote.
Comment: This inframe deletion in the non-repeat region can change the length of the protein and disrupt protein function (PM4_M). The variant has been reported at least twice as pathogenic/likely pathogenic with clinical assertions and evidence for the classification (ClinVar ID: VCV000191289, PMID:26355662, 3billion dataset).It is observed at an extremely low frequency in the gnomAD v2.1.1 dataset (total allele frequency: 0.000004, PM2_M). Therefore, this variant is classified as likely pathogenic according to the recommendation of ACMG/AMP guideline.

Kariminejad - Najmabadi Pathology & Genetics Center
Classification: Likely pathogenic for Abnormality of the eye. Last evaluated: 2021-07-10. Review status: criteria provided, single submitter. Criteria: ACMG Guidelines, 2015. Collection method: clinical testing. Allele origin: germline. Affected: yes.

Institute of Human Genetics, Univ. Regensburg, Univ. Regensburg
Classification: Likely pathogenic for Retinal dystrophy. Last evaluated: 2021-01-01. Review status: criteria provided, single submitter. Criteria: ACMG Guidelines, 2015. Collection method: clinical testing. Allele origin: germline. Affected: yes.

UCLA Clinical Genomics Center, UCLA
Classification: Likely pathogenic for Bothnia retinal dystrophy. Last evaluated: 2014-02-04. Review status: criteria provided, single submitter. Criteria: Lee et al. (JAMA. 2014). Collection method: clinical testing. Allele origin: germline. Inheritance: Autosomal recessive inheritance. Affected: yes. Study: CES.

Genomic Medicine Center of Excellence, King Faisal Specialist Hospital and Research Centre
Classification: Likely pathogenic. Review status: criteria provided, single submitter. Criteria: ACMG Guidelines, 2015. Collection method: research. Allele origin: germline. Affected: yes.

Sharon lab, Hadassah-Hebrew University Medical Center
Classification: Pathogenic for Retinitis punctata albescens. Last evaluated: 2019-06-23. Review status: no assertion criteria provided. Collection method: research. Allele origin: inherited. Affected: yes. Not counted in ClinVar's aggregate classification.

Faculty of Health Sciences, Beirut Arab University
Classification: Pathogenic for Autosomal recessive Retinitis Pigmentosa. Last evaluated: 2015-09-10. Review status: no assertion criteria provided. Collection method: literature only. Allele origin: germline. Affected: yes. Observed: 1 variant allele. Not counted in ClinVar's aggregate classification.

Literature cited by the submitters: PubMed 32188692 (cited by 4 submitters); PubMed 25326637 (cited by Women's Health and Genetics/Laboratory Corporation of America, LabCorp and Labcorp Genetics (formerly Invitae), Labcorp); PubMed 26355662 (cited by 5 submitters); PubMed 32552793 (cited by Institute of Human Genetics, Univ. Regensburg, Univ. Regensburg); PubMed 34426522 (cited by Institute of Human Genetics, Univ. Regensburg, Univ. Regensburg).